The following is an entry in ClinVar:

ClinVar aggregate classification (germline): Pathogenic/Likely pathogenic. Review status: criteria provided, multiple submitters, no conflicts (2 of 4 stars). 3 submissions from 3 submitters: Pathogenic (1); Likely pathogenic (1). 1 of the submissions does not count toward it. Last evaluated 2026-07-21.

Conditions:
Glycogen storage disease IXc (GSD9C). Also called: GSD IXc. Identifiers: Orphanet 264580, MedGen C2751643, MONDO:0013091, OMIM 613027.
Glycogen storage disease. Also called: Disorder of glycogen metabolism; glycogen storage disorder. Identifiers: Orphanet 79201, MedGen C0017919, MONDO:0002412.

Allele frequency attached by ClinVar (database versions not stated): gnomAD exomes below 0.00001.
gnomAD v4.1: 1 of 1,613,388 alleles (0.000062%); highest among the groups gnomAD compares: South Asian, 0.0011%; no homozygotes.

Submissions (3):

Genetics Laboratory, Great Ormond Street Hospital NHS Foundation Trust, North Thames Genomic Laboratory Hub
Classification: Likely pathogenic for Glycogen storage disease. Last evaluated: 2026-07-21. Review status: criteria provided, single submitter. Criteria: ACGS Best Practice Guidelines for Variant Classification in Rare Disease 2024 v1.2. Collection method: clinical testing. Allele origin: germline. Affected: yes.
Comment: PM2_moderate, PM3_moderate, PP4_moderate

Centre for Human Genetics
Classification: Pathogenic for Glycogen storage disease IXc. Last evaluated: 2020-08-27. Review status: criteria provided, single submitter. Criteria: ACMG Guidelines, 2015. Collection method: clinical testing. Allele origin: inherited. Inheritance: Autosomal recessive inheritance. Affected: yes. Observed: 3 variant alleles.
Comment: disease causing

OMIM
Classification: Pathogenic for GLYCOGEN STORAGE DISEASE IXc. Last evaluated: 1996-11-01. Review status: no assertion criteria provided. Collection method: literature only. Allele origin: germline. Not counted in ClinVar's aggregate classification.

Literature cited by the submitters: PubMed 8896567 (cited by OMIM).

NM_000294.3(PHKG2):c.317T>A (p.Val106Glu)

Gene: PHKG2 (phosphorylase kinase catalytic subunit gamma 2; plus strand). Cytogenetic location: 16p11.2.
Variant type: single nucleotide variant.
Coding change: c.317T>A on transcript NM_000294.3 (MANE Select); coding-DNA position 317, T replaced by A.
Protein change: p.Val106Glu; replaces valine 106 with glutamic acid.
Molecular consequence: missense variant.
Genome position (GRCh38, 1-based): chr16:30,751,594, T>A. VCF-style: chr16-30751594-T-A. GRCh37 (hg19) VCF-style: chr16-30762915-T-A.
Other names: c.317T>A, p.Val106Glu (NM_001172432.2); short protein forms V106E.
Identifiers: ClinVar variation 13627 (VCV000013627.3), dbSNP rs137853589, ClinGen allele CA123298.